The following is an entry in ClinVar:

ClinVar aggregate classification (germline): Uncertain significance (1 of 4 stars; one submission).

Submission:

Labcorp Genetics (formerly Invitae), Labcorp
Classification: Uncertain significance. Last evaluated: 2022-02-28. Review status: criteria provided, single submitter. Criteria: Invitae Variant Classification Sherloc (09022015). Collection method: clinical testing. Allele origin: germline.
Comment: In summary, the available evidence is currently insufficient to determine the role of this variant in disease. Therefore, it has been classified as a Variant of Uncertain Significance. A similar copy number variant has been observed in individual(s) with clinical features of neonatal diabetes mellitus and congenital hypothyroidism (Invitae). This variant is a gross deletion of the genomic region encompassing exon(s) 9-10 of the GLIS3 gene, which includes the termination codon. This deletion extends beyond the assayed region for this gene and therefore may encompass additional genes. While this deletion is not anticipated to lead to nonsense mediated decay, it is expected to alter mRNA translation or result in a truncated protein product.

NC_000009.11:g.(?_3828272)_(3829512_?)del

Gene: GLIS3 (GLIS family zinc finger 3; minus strand). Cytogenetic location: 9p24.2.
Variant type: Deletion.
Identifiers: ClinVar variation 2427401 (VCV002427401.4).